The following is an entry in ClinVar:

ClinVar aggregate classification (germline): Uncertain significance (1 of 4 stars; one submission).

Allele frequency attached by ClinVar (database versions not stated): gnomAD exomes 0.00001.
gnomAD v4.1: 9 of 1,610,302 alleles (0.00056%); highest among the groups gnomAD compares: South Asian, 0.0011%; no homozygotes.

Submission:

Labcorp Genetics (formerly Invitae), Labcorp
Classification: Uncertain significance. Last evaluated: 2022-12-23. Review status: criteria provided, single submitter. Criteria: Invitae Variant Classification Sherloc (09022015). Collection method: clinical testing. Allele origin: germline.
Comment: In summary, the available evidence is currently insufficient to determine the role of this variant in disease. Therefore, it has been classified as a Variant of Uncertain Significance. Advanced modeling of protein sequence and biophysical properties (such as structural, functional, and spatial information, amino acid conservation, physicochemical variation, residue mobility, and thermodynamic stability) performed at Invitae indicates that this missense variant is not expected to disrupt LRP6 protein function. This variant has not been reported in the literature in individuals affected with LRP6-related conditions. This variant is not present in population databases (gnomAD no frequency). This sequence change replaces asparagine, which is neutral and polar, with serine, which is neutral and polar, at codon 210 of the LRP6 protein (p.Asn210Ser).

NM_002336.3(LRP6):c.629A>G (p.Asn210Ser)

Gene: LRP6 (LDL receptor related protein 6; minus strand). Cytogenetic location: 12p13.2.
Variant type: single nucleotide variant.
Coding change: c.629A>G on transcript NM_002336.3 (MANE Select); coding-DNA position 629, A replaced by G.
Protein change: p.Asn210Ser; replaces asparagine 210 with serine.
Molecular consequence: missense variant. On other transcripts: non-coding transcript variant (1), intron variant (1).
Genome position (GRCh38, 1-based): chr12:12,203,221, T>C on the plus strand (A>G on the coding strand, the complement: LRP6 is on the minus strand). VCF-style: chr12-12203221-T-C. GRCh37 (hg19) VCF-style: chr12-12356155-T-C.
Other names: c.629A>G, p.Asn210Ser (NM_001414244.1, NM_001414245.1, NM_001414246.1 and 5 more transcripts); c.176A>G, p.Asn59Ser (NM_001414252.1, NM_001414253.1, NM_001414254.1); c.450-16102A>G (NM_001414247.1); short protein forms N59S, N210S.
Identifiers: ClinVar variation 2777671 (VCV002777671.3), dbSNP rs2499071220, ClinGen allele CA383956166.